The following is an entry in ClinVar:

ClinVar aggregate classification (germline): Uncertain significance (1 of 4 stars; one submission).

Conditions:
Inborn genetic diseases. Identifiers: MedGen C0950123, MeSH D030342.

gnomAD v4.1: 2 of 1,611,232 alleles (0.00012%); highest among the groups gnomAD compares: South Asian, 0.0011%; no homozygotes.

Submission:

Ambry Genetics
Classification: Uncertain significance for Inborn genetic diseases. Last evaluated: 2025-07-19. Review status: criteria provided, single submitter. Criteria: Ambry Variant Classification Scheme 2023. Collection method: clinical testing. Allele origin: germline.
Comment: The p.K432Q variant (also known as c.1294A>C), located in coding exon 12 of the ANKRD26 gene, results from an A to C substitution at nucleotide position 1294. The lysine at codon 432 is replaced by glutamine, an amino acid with similar properties. This amino acid position is conserved. In addition, this alteration is predicted to be tolerated by in silico analysis. Based on the available evidence, the clinical significance of this variant remains unclear.

NM_014915.3(ANKRD26):c.1294A>C (p.Lys432Gln)

Gene: ANKRD26 (ankyrin repeat domain containing 26; minus strand). Cytogenetic location: 10p12.1.
Variant type: single nucleotide variant.
Coding change: c.1294A>C on transcript NM_014915.3 (MANE Select); coding-DNA position 1294, A replaced by C.
Protein change: p.Lys432Gln; replaces lysine 432 with glutamine.
Molecular consequence: missense variant.
Genome position (GRCh38, 1-based): chr10:27,064,057, T>G on the plus strand (A>C on the coding strand, the complement: ANKRD26 is on the minus strand). VCF-style: chr10-27064057-T-G. GRCh37 (hg19) VCF-style: chr10-27352986-T-G.
Other names: c.1294A>C, p.Lys432Gln (NM_001256053.2); short protein forms K432Q.
Identifiers: ClinVar variation 4103612 (VCV004103612.1).